The following is an entry in ClinVar:

ClinVar aggregate classification (germline): Uncertain significance. Review status: criteria provided, multiple submitters, no conflicts (2 of 4 stars). 2 submissions from 2 submitters: Uncertain significance (2). Last evaluated 2022-08-23.

Conditions:
Bardet-Biedl syndrome 12 (BBS12). Identifiers: Orphanet 110, MedGen C1859570, MONDO:0014440, OMIM 615989.
Bardet-Biedl syndrome (BBS). Identifiers: Orphanet 110, MedGen C0752166, MONDO:0015229.

Allele frequency attached by ClinVar (database versions not stated): TOPMed 0.00001; ExAC 0.00002; gnomAD 0.00002 and 0.00003; gnomAD exomes 0.00002 and 0.00006.
gnomAD v4.1: 88 of 1,614,130 alleles (0.0055%); highest among the groups gnomAD compares: East Asian, 0.19%; no homozygotes.

Submissions (2):

Labcorp Genetics (formerly Invitae), Labcorp
Classification: Uncertain significance for Bardet-Biedl syndrome. Last evaluated: 2022-08-23. Review status: criteria provided, single submitter. Criteria: Invitae Variant Classification Sherloc (09022015). Collection method: clinical testing. Allele origin: germline.
Comment: This sequence change replaces threonine, which is neutral and polar, with alanine, which is neutral and non-polar, at codon 259 of the BBS12 protein (p.Thr259Ala). This variant is present in population databases (rs746565072, gnomAD 0.03%). This variant has not been reported in the literature in individuals affected with BBS12-related conditions. ClinVar contains an entry for this variant (Variation ID: 899991). Algorithms developed to predict the effect of missense changes on protein structure and function output the following: SIFT: "Tolerated"; PolyPhen-2: "Benign"; Align-GVGD: "Class C0". The alanine amino acid residue is found in multiple mammalian species, which suggests that this missense change does not adversely affect protein function. In summary, the available evidence is currently insufficient to determine the role of this variant in disease. Therefore, it has been classified as a Variant of Uncertain Significance.

Illumina Laboratory Services, Illumina
Classification: Uncertain significance for Bardet-Biedl syndrome 12. Last evaluated: 2018-01-12. Review status: criteria provided, single submitter. Criteria: ICSL Variant Classification Criteria 13 December 2019. Collection method: clinical testing. Allele origin: germline.

NM_152618.3(BBS12):c.775A>G (p.Thr259Ala)

Gene: BBS12 (Bardet-Biedl syndrome 12; plus strand). Cytogenetic location: 4q27.
Variant type: single nucleotide variant.
Coding change: c.775A>G on transcript NM_152618.3 (MANE Select); coding-DNA position 775, A replaced by G.
Protein change: p.Thr259Ala; replaces threonine 259 with alanine.
Molecular consequence: missense variant.
Genome position (GRCh38, 1-based): chr4:122,742,667, A>G. VCF-style: chr4-122742667-A-G. GRCh37 (hg19) VCF-style: chr4-123663822-A-G.
Other names: c.775A>G, p.Thr259Ala (NM_001178007.2); short protein forms T259A.
Identifiers: ClinVar variation 899991 (VCV000899991.5), dbSNP rs746565072, ClinGen allele CA3069325.